The following is an entry in ClinVar:

NM_002439.5(MSH3):c.2049G>C (p.Glu683Asp)

Gene: MSH3 (mutS homolog 3; plus strand). Cytogenetic location: 5q14.1.
Variant type: single nucleotide variant.
Coding change: c.2049G>C on transcript NM_002439.5 (MANE Select); coding-DNA position 2049, G replaced by C.
Protein change: p.Glu683Asp; replaces glutamic acid 683 with aspartic acid.
Molecular consequence: missense variant.
Genome position (GRCh38, 1-based): chr5:80,768,085, G>C. VCF-style: chr5-80768085-G-C. GRCh37 (hg19) VCF-style: chr5-80063904-G-C.
Other names: short protein forms E683D.
Identifiers: ClinVar variation 3398761 (VCV003398761.1).

ClinVar aggregate classification (germline): Uncertain significance (1 of 4 stars; one submission).

Conditions:
Hereditary cancer-predisposing syndrome. Also called: Hereditary Cancer Syndrome; Tumor predisposition; Hereditary neoplastic syndrome; Neoplastic Syndromes, Hereditary. Identifiers: Orphanet 140162, MedGen C0027672, MeSH D009386, MONDO:0015356.

gnomAD v4.1: 1 of 1,613,698 alleles (0.000062%); highest among the groups gnomAD compares: Non-Finnish European, 0.000085%; no homozygotes.

Submission:

Ambry Genetics
Classification: Uncertain significance for Hereditary cancer-predisposing syndrome. Last evaluated: 2024-11-01. Review status: criteria provided, single submitter. Criteria: Ambry Variant Classification Scheme 2023. Collection method: clinical testing. Allele origin: germline.
Comment: The p.E683D variant (also known as c.2049G>C), located in coding exon 14 of the MSH3 gene, results from a G to C substitution at nucleotide position 2049. The glutamic acid at codon 683 is replaced by aspartic acid, an amino acid with highly similar properties. This amino acid position is conserved. In addition, this alteration is predicted to be tolerated by in silico analysis. Based on the available evidence, the clinical significance of this variant remains unclear.